The following is an entry in ClinVar:

ClinVar aggregate classification (germline): Pathogenic (1 of 4 stars; one submission).

Submission:

Labcorp Genetics (formerly Invitae), Labcorp
Classification: Pathogenic. Last evaluated: 2024-04-02. Review status: criteria provided, single submitter. Criteria: Invitae Variant Classification Sherloc (09022015). Collection method: clinical testing. Allele origin: germline.
Comment: This sequence change creates a premature translational stop signal (p.Thr254Glufs*14) in the ESCO2 gene. It is expected to result in an absent or disrupted protein product. Loss-of-function variants in ESCO2 are known to be pathogenic (PMID: 15821733, 16380922). This variant is present in population databases (rs773908617, gnomAD 0.003%). This variant has not been reported in the literature in individuals affected with ESCO2-related conditions. ClinVar contains an entry for this variant (Variation ID: 1451780). Algorithms developed to predict the effect of sequence changes on RNA splicing suggest that this variant may disrupt the consensus splice site. For these reasons, this variant has been classified as Pathogenic.

Literature cited by the submitters: PubMed 15821733; PubMed 16380922.

NM_001017420.3(ESCO2):c.759_760insGA (p.Thr254fs)

Gene: ESCO2 (establishment of sister chromatid cohesion N-acetyltransferase 2; plus strand). Cytogenetic location: 8p21.1.
Variant type: Insertion.
Coding change: c.759_760insGA on transcript NM_001017420.3 (MANE Select); coding-DNA positions 759 to 760, GA inserted.
Protein change: p.Thr254fs; shifts the reading frame from threonine 254.
Molecular consequence: frameshift variant.
Genome position: GRCh38 VCF-style: chr8-27777066-A-AAG. GRCh37 (hg19) VCF-style: chr8-27634583-A-AAG.
Other names: short protein forms T254fs.
Identifiers: ClinVar variation 1451780 (VCV001451780.6), dbSNP rs773908617, ClinGen allele CA4692107.